The following is an entry in ClinVar:

ClinVar aggregate classification (germline): Uncertain significance (1 of 4 stars; one submission).

Conditions:
Juvenile polyposis syndrome (JPS). Identifiers: Orphanet 2929, MedGen C0345893, MONDO:0017380, OMIM 174900.

Submission:

Labcorp Genetics (formerly Invitae), Labcorp
Classification: Uncertain significance for Juvenile polyposis syndrome. Last evaluated: 2021-05-09. Review status: criteria provided, single submitter. Criteria: Invitae Variant Classification Sherloc (09022015). Collection method: clinical testing. Allele origin: germline.
Comment: In summary, the available evidence is currently insufficient to determine the role of this variant in disease. Therefore, it has been classified as a Variant of Uncertain Significance. Algorithms developed to predict the effect of sequence changes on RNA splicing suggest that this variant may create or strengthen a splice site, but this prediction has not been confirmed by published transcriptional studies. Advanced modeling of protein sequence and biophysical properties (such as structural, functional, and spatial information, amino acid conservation, physicochemical variation, residue mobility, and thermodynamic stability) performed at Invitae indicates that this missense variant is expected to disrupt BMPR1A protein function. This variant has not been reported in the literature in individuals with BMPR1A-related conditions. This variant is not present in population databases (ExAC no frequency). This sequence change replaces methionine with isoleucine at codon 408 of the BMPR1A protein (p.Met408Ile). The methionine residue is highly conserved and there is a small physicochemical difference between methionine and isoleucine.

NM_004329.3(BMPR1A):c.1224G>A (p.Met408Ile)

Gene: BMPR1A (bone morphogenetic protein receptor type 1A; plus strand). Cytogenetic location: 10q23.2.
Variant type: single nucleotide variant.
Coding change: c.1224G>A on transcript NM_004329.3 (MANE Select); coding-DNA position 1224, G replaced by A.
Protein change: p.Met408Ile; replaces methionine 408 with isoleucine.
Molecular consequence: missense variant.
Genome position (GRCh38, 1-based): chr10:86,921,577, G>A. VCF-style: chr10-86921577-G-A. GRCh37 (hg19) VCF-style: chr10-88681334-G-A.
Other names: short protein forms M408I.
Identifiers: ClinVar variation 1490014 (VCV001490014.8), dbSNP rs2133606669, ClinGen allele CA377462010.